The following is an entry in ClinVar:

ClinVar aggregate classification (germline): Uncertain significance (1 of 4 stars; one submission).

Conditions:
Hereditary sensory and autonomic neuropathy type 7. Also called: Neuropathy, hereditary sensory and autonomic, type VII; HSAN VII. Identifiers: Orphanet 391397, MedGen C3809882, MONDO:0014244, OMIM 615548.
Familial episodic pain syndrome with predominantly lower limb involvement. Also called: Episodic pain syndrome, familial, 3. Identifiers: Orphanet 391384, Orphanet 391392, MedGen C3809899, MONDO:0014247, OMIM 615552.

Submission:

Labcorp Genetics (formerly Invitae), Labcorp
Classification: Uncertain significance for Familial episodic pain syndrome with predominantly lower limb involvement; Hereditary sensory and autonomic neuropathy type 7. Last evaluated: 2021-02-15. Review status: criteria provided, single submitter. Criteria: Invitae Variant Classification Sherloc (09022015). Collection method: clinical testing. Allele origin: germline.
Comment: This variant is not present in population databases (ExAC no frequency). In summary, the available evidence is currently insufficient to determine the role of this variant in disease. Therefore, it has been classified as a Variant of Uncertain Significance. Algorithms developed to predict the effect of missense changes on protein structure and function (SIFT, PolyPhen-2, Align-GVGD) all suggest that this variant is likely to be disruptive, but these predictions have not been confirmed by published functional studies and their clinical significance is uncertain. This variant has not been reported in the literature in individuals with SCN11A-related conditions. This sequence change replaces lysine with glutamine at codon 499 of the SCN11A protein (p.Lys499Gln). The lysine residue is highly conserved and there is a small physicochemical difference between lysine and glutamine.

NM_001349253.2(SCN11A):c.1495A>C (p.Lys499Gln)

Gene: SCN11A (sodium voltage-gated channel alpha subunit 11; minus strand). Cytogenetic location: 3p22.2.
Variant type: single nucleotide variant.
Coding change: c.1495A>C on transcript NM_001349253.2 (MANE Select); coding-DNA position 1495, A replaced by C.
Protein change: p.Lys499Gln; replaces lysine 499 with glutamine.
Molecular consequence: missense variant.
Genome position (GRCh38, 1-based): chr3:38,905,300, T>G on the plus strand (A>C on the coding strand, the complement: SCN11A is on the minus strand). VCF-style: chr3-38905300-T-G. GRCh37 (hg19) VCF-style: chr3-38946791-T-G.
Other names: c.1495A>C, p.Lys499Gln (NM_014139.3); short protein forms K499Q.
Identifiers: ClinVar variation 1463200 (VCV001463200.8), dbSNP rs1553638821, ClinGen allele CA352166361.
Genomic context (GRCh38, chr3:38,905,300, plus strand): 5'-TTTGGAGAGGATCTCCATGCTCATCAAAGTGGTCCAGTGATAGATTCTGGGACAGTCGTT[T>G]GGTTTGCTCTAGGAGCTGTGGCTGTAAGAGAAGGCATAGGGCACCTTCTAAAGACAGGGG-3'
Protein context (NP_001336182.1, residues 489-509): QKKPQLLEQT[Lys499Gln]RLSQNLSLDH